The following is an entry in ClinVar:

NM_001276270.2(MBD4):c.730A>G (p.Lys244Glu)

Gene: MBD4 (methyl-CpG binding domain 4, DNA glycosylase; minus strand). Cytogenetic location: 3q21.3.
Variant type: single nucleotide variant.
Coding change: c.730A>G on transcript NM_001276270.2 (MANE Select); coding-DNA position 730, A replaced by G.
Protein change: p.Lys244Glu; replaces lysine 244 with glutamic acid.
Molecular consequence: missense variant. On other transcripts: intron variant (1).
Genome position (GRCh38, 1-based): chr3:129,436,914, T>C on the plus strand (A>G on the coding strand, the complement: MBD4 is on the minus strand). VCF-style: chr3-129436914-T-C. GRCh37 (hg19) VCF-style: chr3-129155757-T-C.
Other names: c.730A>G, p.Lys244Glu (NM_001276271.2, NM_001276272.2, NM_003925.3); c.247+894A>G (NM_001276273.2); short protein forms K244E.
Identifiers: ClinVar variation 3721741 (VCV003721741.3).

ClinVar aggregate classification (germline): Uncertain significance. Review status: criteria provided, multiple submitters, no conflicts (2 of 4 stars). 2 submissions from 2 submitters: Uncertain significance (2). Last evaluated 2025-04-16.

Conditions:
Inborn genetic diseases. Identifiers: MedGen C0950123, MeSH D030342.

Submissions (2):

Ambry Genetics
Classification: Uncertain significance for Inborn genetic diseases. Last evaluated: 2025-04-16. Review status: criteria provided, single submitter. Criteria: Ambry Variant Classification Scheme 2023. Collection method: clinical testing. Allele origin: germline.
Comment: The p.K244E variant (also known as c.730A>G), located in coding exon 3 of the MBD4 gene, results from an A to G substitution at nucleotide position 730. The lysine at codon 244 is replaced by glutamic acid, an amino acid with similar properties. This amino acid position is conserved. In addition, this alteration is predicted to be tolerated by in silico analysis. Based on the available evidence, the clinical significance of this variant remains unclear.

Labcorp Genetics (formerly Invitae), Labcorp
Classification: Uncertain significance. Last evaluated: 2024-09-29. Review status: criteria provided, single submitter. Criteria: Invitae Variant Classification Sherloc (09022015). Collection method: clinical testing. Allele origin: germline.
Comment: This sequence change replaces lysine, which is basic and polar, with glutamic acid, which is acidic and polar, at codon 244 of the MBD4 protein (p.Lys244Glu). This variant is not present in population databases (gnomAD no frequency). This variant has not been reported in the literature in individuals affected with MBD4-related conditions. An algorithm developed to predict the effect of missense changes on protein structure and function outputs the following: PolyPhen-2: "Benign". The glutamic acid amino acid residue is found in multiple mammalian species, which suggests that this missense change does not adversely affect protein function. In summary, the available evidence is currently insufficient to determine the role of this variant in disease. Therefore, it has been classified as a Variant of Uncertain Significance.